The following is an entry in ClinVar:

NM_007194.4(CHEK2):c.291G>A (p.Trp97Ter)

Gene: CHEK2 (checkpoint kinase 2; minus strand). Cytogenetic location: 22q12.1.
Variant type: single nucleotide variant.
Coding change: c.291G>A on transcript NM_007194.4 (MANE Select); coding-DNA position 291, G replaced by A.
Protein change: p.Trp97Ter; replaces tryptophan 97 with a stop codon.
Molecular consequence: nonsense.
Genome position (GRCh38, 1-based): chr22:28,734,431, C>T on the plus strand (G>A on the coding strand, the complement: CHEK2 is on the minus strand). VCF-style: chr22-28734431-C-T. GRCh37 (hg19) VCF-style: chr22-29130419-C-T.
Other names: c.291G>A, p.Trp97Ter (NM_001005735.3, NM_001349956.3, NM_145862.3); c.-487G>A (NM_001257387.3); short protein forms W97*.
Identifiers: ClinVar variation 836358 (VCV000836358.51), dbSNP rs2054312626, ClinGen allele CA411090320.

ClinVar aggregate classification (germline): Pathogenic. Review status: criteria provided, multiple submitters, no conflicts (2 of 4 stars). 3 submissions from 3 submitters: Pathogenic (3). Last evaluated 2025-01-19.

Conditions:
Hereditary cancer-predisposing syndrome. Also called: Hereditary Cancer Syndrome; Neoplastic Syndromes, Hereditary; Tumor predisposition; Hereditary neoplastic syndrome. Identifiers: Orphanet 140162, MedGen C0027672, MeSH D009386, MONDO:0015356.
Familial cancer of breast. Also called: BREAST CANCER, FAMILIAL; Hereditary breast cancer; hereditary breast carcinoma. Identifiers: Orphanet 227535, MedGen C0346153, MONDO:0016419, OMIM 114480. Disease mechanism: loss of function.

Submissions (3):

Labcorp Genetics (formerly Invitae), Labcorp
Classification: Pathogenic for Familial cancer of breast. Last evaluated: 2025-01-19. Review status: criteria provided, single submitter. Criteria: Invitae Variant Classification Sherloc (09022015). Collection method: clinical testing. Allele origin: germline.
Comment: This sequence change creates a premature translational stop signal (p.Trp97*) in the CHEK2 gene. It is expected to result in an absent or disrupted protein product. Loss-of-function variants in CHEK2 are known to be pathogenic (PMID: 21876083, 24713400). This variant is not present in population databases (gnomAD no frequency). This variant has not been reported in the literature in individuals affected with CHEK2-related conditions. ClinVar contains an entry for this variant (Variation ID: 836358). For these reasons, this variant has been classified as Pathogenic.

Ambry Genetics
Classification: Pathogenic for Hereditary cancer-predisposing syndrome. Last evaluated: 2021-03-15. Review status: criteria provided, single submitter. Criteria: Ambry Variant Classification Scheme 2023. Collection method: clinical testing. Allele origin: germline.
Comment: The p.W97* pathogenic mutation (also known as c.291G>A), located in coding exon 1 of the CHEK2 gene, results from a G to A substitution at nucleotide position 291. This changes the amino acid from a tryptophan to a stop codon within coding exon 1. This alteration is expected to result in loss of function by premature protein truncation or nonsense-mediated mRNA decay. As such, this alteration is interpreted as a disease-causing mutation.

CeGaT Center for Human Genetics Tuebingen
Classification: Pathogenic. Last evaluated: 2018-10-01. Review status: criteria provided, single submitter. Criteria: CeGaT Center For Human Genetics Tuebingen Variant Classification Criteria Version 2. Collection method: clinical testing. Allele origin: germline. Affected: yes. Observed: 1 variant allele.

Literature cited by the submitters: PubMed 21876083 (cited by Labcorp Genetics (formerly Invitae), Labcorp); PubMed 24713400 (cited by Labcorp Genetics (formerly Invitae), Labcorp).